The following is an entry in ClinVar:

ClinVar aggregate classification (germline): Uncertain significance. Review status: criteria provided, multiple submitters, no conflicts (2 of 4 stars). 3 submissions from 3 submitters: Uncertain significance (3). Last evaluated 2025-06-10.

Conditions:
FREM2-related disorder. Also called: FREM2-related condition.
Isolated cryptophthalmia. Also called: ANKYLOBLEPHARON, SIMPLE; Cryptophthalmos, unilateral or bilateral, isolated. Identifiers: Orphanet 91396, MedGen C1852453, MONDO:0007410, OMIM 123570.
Fraser syndrome 2 (FRASRS2). Identifiers: MedGen C4540036, MONDO:0054738, OMIM 617666.

Allele frequency attached by ClinVar (database versions not stated): gnomAD exomes below 0.00001 and 0.00001; ExAC 0.00001; ESP Exome Variant Server 0.00008.
gnomAD v4.1: 6 of 1,588,200 alleles (0.00038%); highest among the groups gnomAD compares: African/African-American, 0.0013%; no homozygotes.

Submissions (3):

PreventionGenetics, part of Exact Sciences
Classification: Uncertain significance for FREM2-related condition. Last evaluated: 2025-06-10. Review status: criteria provided, single submitter. Criteria: ACMG Guidelines, 2015. Collection method: clinical testing. Allele origin: germline.
Comment: The FREM2 c.5378G>A variant is predicted to result in the amino acid substitution p.Arg1793His. To our knowledge, this variant has not been reported in the literature. This variant is reported in 0.0062% of alleles in individuals of African descent in gnomAD. At this time, the clinical significance of this variant is uncertain due to the absence of conclusive functional and genetic evidence.

Fulgent Genetics
Classification: Uncertain significance for Isolated cryptophthalmia; Fraser syndrome 2. Last evaluated: 2022-03-21. Review status: criteria provided, single submitter. Criteria: ACMG Guidelines, 2015. Collection method: clinical testing. Allele origin: unknown.

Illumina Laboratory Services, Illumina
Classification: Uncertain significance for Fraser syndrome 2. Last evaluated: 2018-01-13. Review status: criteria provided, single submitter. Criteria: ICSL Variant Classification Criteria 13 December 2019. Collection method: clinical testing. Allele origin: germline.

NM_207361.6(FREM2):c.5378G>A (p.Arg1793His)

Gene: FREM2 (FRAS1 related extracellular matrix 2; plus strand). Cytogenetic location: 13q13.3.
Variant type: single nucleotide variant.
Coding change: c.5378G>A on transcript NM_207361.6 (MANE Select); coding-DNA position 5378, G replaced by A.
Protein change: p.Arg1793His; replaces arginine 1793 with histidine.
Molecular consequence: missense variant.
Genome position (GRCh38, 1-based): chr13:38,764,418, G>A. VCF-style: chr13-38764418-G-A. GRCh37 (hg19) VCF-style: chr13-39338555-G-A.
Other names: c.5378G>A (NM_207361.5); short protein forms R1793H.
Identifiers: ClinVar variation 883468 (VCV000883468.6), dbSNP rs144476070, ClinGen allele CA6955227.